The following is an entry in ClinVar:

ClinVar aggregate classification (germline): Uncertain significance (1 of 4 stars; one submission).

gnomAD v4.1: 9 of 1,613,946 alleles (0.00056%); highest among the groups gnomAD compares: East Asian, 0.0045%; no homozygotes.

Submission:

Athena Diagnostics
Classification: Uncertain significance. Last evaluated: 2025-10-21. Review status: criteria provided, single submitter. Criteria: Athena Diagnostics Criteria. Collection method: clinical testing. Allele origin: unknown.
Comment: Available data are insufficient to determine the clinical significance of the variant at this time. The frequency of this variant in the general population is uninformative in assessment of its pathogenicity. Polyphen and MutationTaster yielded discordant predictions regarding whether this amino acid change is damaging to the protein.

NM_006946.4(SPTBN2):c.5824G>A (p.Ala1942Thr)

Gene: SPTBN2 (spectrin beta, non-erythrocytic 2; minus strand). Cytogenetic location: 11q13.2.
Variant type: single nucleotide variant.
Coding change: c.5824G>A on transcript NM_006946.4 (MANE Select); coding-DNA position 5824, G replaced by A.
Protein change: p.Ala1942Thr; replaces alanine 1942 with threonine.
Molecular consequence: missense variant.
Genome position (GRCh38, 1-based): chr11:66,689,930, C>T on the plus strand (G>A on the coding strand, the complement: SPTBN2 is on the minus strand). VCF-style: chr11-66689930-C-T. GRCh37 (hg19) VCF-style: chr11-66457401-C-T.
Other names: c.5845G>A, p.Ala1949Thr (NM_001411025.1); c.5824G>A, p.Ala1942Thr (NM_001437541.1); short protein forms A1942T, A1949T.
Identifiers: ClinVar variation 4682291 (VCV004682291.1).
Genomic context (GRCh38, chr11:66,689,930, plus strand): 5'-GGTCTGCCCGGGCCTCTATCTCTGCCTTGATGCCTTGCTGGTTCTTGATGACTAGATCCG[C>T]GGAGGACACATCCCTGGGGGGAGGCAGAAACAGCATCACCTGCTGCCCACAGCCCCATCA-3'
Protein context (NP_008877.2, residues 1932-1952): AQERPRDVSS[Ala1942Thr]DLVIKNQQGI